The following is an entry in ClinVar:

NM_177438.3(DICER1):c.2142A>C (p.Pro714=)

Gene: DICER1 (dicer 1, ribonuclease III; minus strand). Cytogenetic location: 14q32.13.
Variant type: single nucleotide variant.
Coding change: c.2142A>C on transcript NM_177438.3 (MANE Select); coding-DNA position 2142, A replaced by C.
Protein change: p.Pro714=; no amino-acid change (proline 714 retained).
Molecular consequence: synonymous variant. On other transcripts: non-coding transcript variant (6).
Genome position (GRCh38, 1-based): chr14:95,111,431, T>G on the plus strand (A>C on the coding strand, the complement: DICER1 is on the minus strand). VCF-style: chr14-95111431-T-G. GRCh37 (hg19) VCF-style: chr14-95577768-T-G.
Other names: c.2142A>C, p.Pro714= (NM_001195573.1, NM_001271282.3, NM_001291628.2 and 13 more transcripts); c.1860A>C, p.Pro620= (NM_001395686.1); c.1737A>C, p.Pro579= (NM_001395687.1, NM_001395688.1, NM_001395689.1 and 3 more transcripts); c.1575A>C, p.Pro525= (NM_001395691.1); c.459A>C, p.Pro153= (NM_001395697.1).
Identifiers: ClinVar variation 1786599 (VCV001786599.8), dbSNP rs985352222, ClinGen allele CA265912030.

ClinVar aggregate classification (germline): Benign/Likely benign. Review status: criteria provided, multiple submitters, no conflicts (2 of 4 stars). 3 submissions from 3 submitters: Benign (1); Likely benign (2). Last evaluated 2026-08-19.

Conditions:
DICER1-related tumor predisposition. Also called: DICER1-related pleuropulmonary blastoma cancer predisposition syndrome; DICER1 syndrome. Identifiers: Orphanet 284343, MedGen C3839822, MONDO:0100216.
Hereditary cancer-predisposing syndrome. Also called: Hereditary neoplastic syndrome; Neoplastic Syndromes, Hereditary; Tumor predisposition; Hereditary Cancer Syndrome. Identifiers: Orphanet 140162, MedGen C0027672, MeSH D009386, MONDO:0015356.

Allele frequency attached by ClinVar (database versions not stated): gnomAD exomes below 0.00001; TOPMed 0.00002.
gnomAD v4.1: 1 of 1,614,130 alleles (0.000062%); highest among the groups gnomAD compares: African/African-American, 0.0013%; no homozygotes.

Submissions (3):

Myriad Genetics, Inc.
Classification: Benign for DICER1-related tumor predisposition. Last evaluated: 2026-08-19. Review status: criteria provided, single submitter. Criteria: Myriad Autosomal Dominant, Autosomal Recessive and X-Linked Classification Criteria (2023). Collection method: clinical testing. Allele origin: unknown.
Comment: This variant is considered benign. This variant is a silent/synonymous amino acid change and it is not expected to impact splicing.

Labcorp Genetics (formerly Invitae), Labcorp
Classification: Likely benign for DICER1-related tumor predisposition. Last evaluated: 2025-03-27. Review status: criteria provided, single submitter. Criteria: Invitae Variant Classification Sherloc (09022015). Collection method: clinical testing. Allele origin: germline.

Ambry Genetics
Classification: Likely benign for Hereditary cancer-predisposing syndrome. Last evaluated: 2021-02-09. Review status: criteria provided, single submitter. Criteria: Ambry Variant Classification Scheme 2023. Collection method: clinical testing. Allele origin: germline.